The following is an entry in ClinVar:

ClinVar aggregate classification (germline): Benign (0 of 4 stars; one submission).

Conditions:
TNS1-related disorder. Also called: TNS1-related condition.

Allele frequency attached by ClinVar (database versions not stated): gnomAD exomes 0.11107; ExAC 0.15600; ESP Exome Variant Server 0.16846; gnomAD 0.17727; TOPMed 0.18334; 1000 Genomes Project 0.25859; 1000 Genomes Project 30x 0.26031.
gnomAD v4.1: 190,634 of 1,612,184 alleles (12%); highest among the groups gnomAD compares: African/African-American, 35%; 15,772 homozygotes.

Submission:

PreventionGenetics, part of Exact Sciences
Classification: Benign for TNS1-related condition. Last evaluated: 2019-10-21. Review status: no assertion criteria provided. Collection method: clinical testing. Allele origin: germline.
Comment: This variant is classified as benign based on ACMG/AMP sequence variant interpretation guidelines (Richards et al. 2015 PMID: 25741868, with internal and published modifications).

NM_001387777.1(TNS1):c.990A>G (p.Pro330=)

Gene: TNS1 (tensin 1; minus strand). Cytogenetic location: 2q35.
Variant type: single nucleotide variant.
Coding change: c.990A>G on transcript NM_001387777.1 (MANE Select); coding-DNA position 990, A replaced by G.
Protein change: p.Pro330=; no amino-acid change (proline 330 retained).
Molecular consequence: synonymous variant.
Genome position (GRCh38, 1-based): chr2:217,886,094, T>C on the plus strand (A>G on the coding strand, the complement: TNS1 is on the minus strand). VCF-style: chr2-217886094-T-C. GRCh37 (hg19) VCF-style: chr2-218750817-T-C.
Other names: c.615A>G, p.Pro205= (NM_001308022.2, NM_001308023.2, NM_022648.7).
Identifiers: ClinVar variation 3060672 (VCV003060672.2), dbSNP rs10211238, ClinGen allele CA2100680.
Genomic context (GRCh38, chr2:217,886,094, plus strand): 5'-TAATACTTACTAGATGCCAGATGTGTACACAGGTTGCATGGCCTGGTAGATGCGGAGAAA[T>C]GGCCGACATCCTGTAAAAGTGGGGTGGGTGTTAGCTAAGACAGCAGAAACTGGCAGGCAG-3'
Protein context (NP_001374706.1, residues 320-340): PNFESKGGCR[Pro330=]FLRIYQAMQP